The following is an entry in ClinVar:

ClinVar aggregate classification (germline): Pathogenic (1 of 4 stars; one submission).

Conditions:
Arrhythmogenic right ventricular dysplasia 9 (ARVD9). Also called: ARRHYTHMOGENIC RIGHT VENTRICULAR DYSPLASIA, FAMILIAL, 9; Arrhythmogenic Right Ventricular Dysplasia/Cardiomyopathy 9. Identifiers: MedGen C1836906, MONDO:0012180, OMIM 609040.

Submission:

Labcorp Genetics (formerly Invitae), Labcorp
Classification: Pathogenic for Arrhythmogenic right ventricular dysplasia 9. Last evaluated: 2023-11-10. Review status: criteria provided, single submitter. Criteria: Invitae Variant Classification Sherloc (09022015). Collection method: clinical testing. Allele origin: germline.
Comment: This variant is a gross deletion of the genomic region encompassing exon(s) 2-3 of the PKP2 gene. This deletion is out-of-frame, and is expected to create a premature termination codon and result in an absent or disrupted protein product. Loss-of-function variants in PKP2 are known to be pathogenic (PMID: 15489853, 23911551). This variant has not been reported in the literature in individuals affected with PKP2-related conditions. For these reasons, this variant has been classified as Pathogenic.

Literature cited by the submitters: PubMed 15489853; PubMed 23911551.

NC_000012.11:g.(?_33030760)_(33031986_?)del

Gene: PKP2 (plakophilin 2; minus strand). Cytogenetic location: 12p11.21.
Variant type: Deletion.
Identifiers: ClinVar variation 1075514 (VCV001075514.8).